The following is an entry in ClinVar:

NM_001614.5(ACTG1):c.231C>T (p.Thr77=)

Gene: ACTG1 (actin gamma 1; minus strand). Cytogenetic location: 17q25.3.
Variant type: single nucleotide variant.
Coding change: c.231C>T on transcript NM_001614.5 (MANE Select); coding-DNA position 231, C replaced by T.
Protein change: p.Thr77=; no amino-acid change (threonine 77 retained).
Molecular consequence: synonymous variant. On other transcripts: non-coding transcript variant (1).
Genome position (GRCh38, 1-based): chr17:81,512,035, G>A on the plus strand (C>T on the coding strand, the complement: ACTG1 is on the minus strand). VCF-style: chr17-81512035-G-A. GRCh37 (hg19) VCF-style: chr17-79479061-G-A.
Other names: c.231C>T, p.Thr77= (NM_001199954.3).
Identifiers: ClinVar variation 281581 (VCV000281581.23), dbSNP rs375450454, ClinGen allele CA8836305.

ClinVar aggregate classification (germline): Conflicting classifications of pathogenicity. Review status: criteria provided, conflicting classifications (1 of 4 stars). 5 submissions from 5 submitters: Uncertain significance (1); Benign (2); Likely benign (2). Last evaluated 2025-10-01.

Conditions:
Autosomal dominant nonsyndromic hearing loss 20. Identifiers: Orphanet 90635, MedGen C1858172, MONDO:0011480, OMIM 604717.
Baraitser-winter syndrome 2. Identifiers: Orphanet 2995, MedGen C3281235, MONDO:0013812, OMIM 614583.

Allele frequency attached by ClinVar (database versions not stated): ESP Exome Variant Server 0.00008; gnomAD 0.00009 and 0.00011; TOPMed 0.00011; gnomAD exomes 0.00013 and 0.00025; 1000 Genomes Project 0.00020; ExAC 0.00020; 1000 Genomes Project 30x 0.00031.
gnomAD v4.1: 215 of 1,614,060 alleles (0.013%); highest among the groups gnomAD compares: Middle Eastern, 0.35%; 1 homozygote.

Submissions (5):

Labcorp Genetics (formerly Invitae), Labcorp
Classification: Benign for Baraitser-winter syndrome 2; Autosomal dominant nonsyndromic hearing loss 20. Last evaluated: 2025-10-01. Review status: criteria provided, single submitter. Criteria: Invitae Variant Classification Sherloc (09022015). Collection method: clinical testing. Allele origin: germline.

CeGaT Center for Human Genetics Tuebingen
Classification: Likely benign. Last evaluated: 2025-06-01. Review status: criteria provided, single submitter. Criteria: CeGaT Center For Human Genetics Tuebingen Variant Classification Criteria Version 2. Collection method: clinical testing. Allele origin: germline. Affected: yes. Observed: 1 variant allele.
Comment: ACTG1: BP4, BP7

Blueprint Genetics
Classification: Likely benign. Last evaluated: 2023-12-22. Review status: criteria provided, single submitter. Criteria: ACMG Guidelines, 2015. Collection method: clinical testing. Allele origin: germline.

GeneDx
Classification: Benign. Last evaluated: 2021-05-05. Review status: criteria provided, single submitter. Criteria: GeneDx Variant Classification Process June 2021. Collection method: clinical testing. Allele origin: germline. Affected: yes.

Eurofins Ntd Llc (ga)
Classification: Uncertain significance. Last evaluated: 2015-07-02. Review status: criteria provided, single submitter. Criteria: EGL Classification Definitions 2015. Collection method: clinical testing. Allele origin: germline. Observed: 1 variant allele, 1 heterozygote.